The following is an entry in ClinVar:

NM_005883.3(APC2):c.5944G>C (p.Gly1982Arg)

Gene: APC2 (APC regulator of Wnt signaling pathway 2; plus strand). Cytogenetic location: 19p13.3.
Variant type: single nucleotide variant.
Coding change: c.5944G>C on transcript NM_005883.3 (MANE Select); coding-DNA position 5944, G replaced by C.
Protein change: p.Gly1982Arg; replaces glycine 1982 with arginine.
Molecular consequence: missense variant.
Genome position (GRCh38, 1-based): chr19:1,469,245, G>C. VCF-style: chr19-1469245-G-C. GRCh37 (hg19) VCF-style: chr19-1469244-G-C.
Other names: c.5941G>C, p.Gly1981Arg (NM_001351273.1); short protein forms G1981R, G1982R.
Identifiers: ClinVar variation 4531708 (VCV004531708.1).

ClinVar aggregate classification (germline): Uncertain significance (1 of 4 stars; one submission).

Conditions:
Intellectual developmental disorder, autosomal recessive 74 (MRT74). Also called: Sotos syndrome 3. Identifiers: MedGen C4310684, MONDO:0014951, OMIM 617169.

gnomAD v4.1: 3 of 1,426,222 alleles (0.00021%); highest among the groups gnomAD compares: Non-Finnish European, 0.00028%; no homozygotes.

Submission:

Victorian Clinical Genetics Services, Murdoch Childrens Research Institute
Classification: Uncertain significance for Intellectual developmental disorder, autosomal recessive 74. Last evaluated: 2024-10-14. Review status: criteria provided, single submitter. Criteria: ACMG Guidelines, 2015. Collection method: clinical testing. Allele origin: germline. Affected: yes.
Comment: This variant is classified as VUS-3B. Evidence in support of pathogenic classification: Variant is present in gnomAD <0.01 for a recessive condition (v4: 3 heterozygote(s), 0 homozygote(s)). Additional information: Variant is predicted to result in a missense amino acid change from glycine to arginine; This variant is heterozygous; This gene is associated with autosomal recessive disease; Multiple alternative amino acid changes at the same position have been observed in gnomAD (v4) (highest allele count: 4 heterozygotes, 0 homozygotes). - This variant has no previous evidence of pathogenicity; No published segregation evidence has been identified for this variant; No published functional evidence has been identified for this variant; No comparable missense variants have previous evidence for pathogenicity; Variant is located in the annotated APC basic domain (DECIPHER); Missense variant with conflicting in silico predictions and uninformative conservation; Loss of function is a known mechanism of disease in this gene and is associated with cortical dysplasia, complex, with other brain malformations 10 (MIM#618677) and intellectual developmental disorder, autosomal recessive 74 (MIM#617169); Variants in this gene are known to have variable expressivity. Intrafamilial variability has been reported (PMID: 31585108); Inheritance information for this variant is not currently available in this individual.

Literature cited by the submitters: PubMed 31585108.